The following is an entry in ClinVar:

ClinVar aggregate classification (germline): Likely benign. Review status: criteria provided, multiple submitters, no conflicts (2 of 4 stars). 3 submissions from 3 submitters: Likely benign (3). Last evaluated 2025-04-21.

Conditions:
Glycogen storage disease IXa1. Also called: Glycogen storage disease 8; LIVER GLYCOGENOSIS, X-LINKED, TYPE I; GLYCOGEN STORAGE DISEASE VIII; GSD VIII. Identifiers: Orphanet 264580, MedGen C3694531, MONDO:0010598, OMIM 306000.

Allele frequency attached by ClinVar (database versions not stated): TOPMed 0.00011; gnomAD 0.00019 and 0.00020; ExAC 0.00029; gnomAD exomes 0.00033.
gnomAD v4.1: 223 of 1,209,708 alleles (0.018%); highest among the groups gnomAD compares: South Asian, 0.048%; 2 homozygotes.

Submissions (3):

Labcorp Genetics (formerly Invitae), Labcorp
Classification: Likely benign for Glycogen storage disease IXa1. Last evaluated: 2025-04-21. Review status: criteria provided, single submitter. Criteria: Invitae Variant Classification Sherloc (09022015). Collection method: clinical testing. Allele origin: germline.

Blueprint Genetics
Classification: Likely benign. Last evaluated: 2024-09-16. Review status: criteria provided, single submitter. Criteria: ACMG Guidelines, 2015. Collection method: clinical testing. Allele origin: germline.

CeGaT Center for Human Genetics Tuebingen
Classification: Likely benign. Last evaluated: 2022-06-01. Review status: criteria provided, single submitter. Criteria: CeGaT Center For Human Genetics Tuebingen Variant Classification Criteria Version 2. Collection method: clinical testing. Allele origin: germline. Affected: yes. Observed: 1 variant allele.
Comment: PHKA2: BS2

NM_000292.3(PHKA2):c.295G>A (p.Val99Met)

Gene: PHKA2 (phosphorylase kinase regulatory subunit alpha 2; minus strand). Cytogenetic location: Xp22.13.
Variant type: single nucleotide variant.
Coding change: c.295G>A on transcript NM_000292.3 (MANE Select); coding-DNA position 295, G replaced by A.
Protein change: p.Val99Met; replaces valine 99 with methionine.
Molecular consequence: missense variant.
Genome position (GRCh38, 1-based): chrX:18,951,263, C>T on the plus strand (G>A on the coding strand, the complement: PHKA2 is on the minus strand). VCF-style: chrX-18951263-C-T. GRCh37 (hg19) VCF-style: chrX-18969381-C-T.
Other names: short protein forms V99M.
Identifiers: ClinVar variation 1536706 (VCV001536706.32), dbSNP rs200281934, ClinGen allele CA10362130.
Genomic context (GRCh38, chrX:18,951,263, plus strand): 5'-CGGTGTTGTACTTGGCGTGCAGGCTGTCCTTGGTGCTCTGAGTGTGTTTGAACTTCTCCA[C>T]TTTGGCCACCTGAGGGAGAAGGCAAGCCCGCTCTGCATAGTTATGGGGGTTCATGGCTGG-3'
Protein context (NP_000283.1, residues 89-109): LQCMMRQVAK[Val99Met]EKFKHTQSTK